The following is an entry in ClinVar:

ClinVar aggregate classification (germline): Benign. Review status: criteria provided, multiple submitters, no conflicts (2 of 4 stars). 5 submissions from 4 submitters: Benign (5). Last evaluated 2023-11-12.

Conditions:
Aicardi-Goutieres syndrome 5. Identifiers: Orphanet 51, MedGen C2749659, MONDO:0013059, OMIM 612952.
Chilblain lupus 2 (CHBL2). Identifiers: MedGen C3280721, MONDO:0013739, OMIM 614415.

Allele frequency attached by ClinVar (database versions not stated): gnomAD exomes 0.34172; gnomAD 0.43380 and 0.44115; TOPMed 0.45192; 1000 Genomes Project 0.47045; 1000 Genomes Project 30x 0.47767.
gnomAD v4.1: 277,078 of 769,286 alleles (36%); highest among the groups gnomAD compares: African/African-American, 65%; 54,604 homozygotes.

Submissions (5):

Unidad de Genómica Garrahan, Hospital de Pediatría Garrahan
Classification: Benign. Last evaluated: 2023-11-12. Review status: criteria provided, single submitter. Criteria: ACMG Guidelines, 2015. Collection method: clinical testing. Allele origin: germline. Affected: no. Observed: 45 variant alleles.
Comment: This variant is classified as Benign based on local population frequency. This variant was detected in 47% of patients studied by a panel of primary immunodeficiencies. Number of patients: 45. Only high quality variants are reported.

Genome-Nilou Lab
Classification: Benign for Aicardi-Goutieres syndrome 5. Last evaluated: 2021-07-10. Review status: criteria provided, single submitter. Criteria: ACMG Guidelines, 2015. Collection method: clinical testing. Allele origin: germline. Affected: no.

Genome-Nilou Lab
Classification: Benign for Chilblain lupus 2. Last evaluated: 2021-07-10. Review status: criteria provided, single submitter. Criteria: ACMG Guidelines, 2015. Collection method: clinical testing. Allele origin: germline. Affected: no.

GeneDx
Classification: Benign. Last evaluated: 2018-11-12. Review status: criteria provided, single submitter. Criteria: GeneDx Variant Classification Process June 2021. Collection method: clinical testing. Allele origin: germline. Affected: yes.

Breakthrough Genomics
Classification: Benign. Review status: criteria provided, single submitter. Criteria: ACMG Guidelines, 2015. Collection method: not provided. Allele origin: germline. Inheritance: Autosomal recessive inheritance. Affected: yes.

NM_015474.4(SAMHD1):c.276-105C>A

Gene: SAMHD1 (SAM and HD domain containing deoxynucleoside triphosphate triphosphohydrolase 1; minus strand). Cytogenetic location: 20q11.23.
Variant type: single nucleotide variant.
Coding change: c.276-105C>A on transcript NM_015474.4 (MANE Select); 105 bases into the intron before coding-DNA position 276, C replaced by A.
Molecular consequence: intron variant.
Genome position (GRCh38, 1-based): chr20:36,941,216, G>T on the plus strand (C>A on the coding strand, the complement: SAMHD1 is on the minus strand). VCF-style: chr20-36941216-G-T. GRCh37 (hg19) VCF-style: chr20-35569619-G-T.
Other names: c.276-105C>A (NM_001363729.2, NM_001363733.2).
Identifiers: ClinVar variation 1184803 (VCV001184803.8), dbSNP rs6030312, ClinGen allele CA15980022.